The following is an entry in ClinVar:

NM_004958.4(MTOR):c.1648A>G (p.Lys550Glu)

Gene: MTOR (mechanistic target of rapamycin kinase; minus strand). Cytogenetic location: 1p36.22.
Variant type: single nucleotide variant.
Coding change: c.1648A>G on transcript NM_004958.4 (MANE Select); coding-DNA position 1648, A replaced by G.
Protein change: p.Lys550Glu; replaces lysine 550 with glutamic acid.
Molecular consequence: missense variant.
Genome position (GRCh38, 1-based): chr1:11,240,441, T>C on the plus strand (A>G on the coding strand, the complement: MTOR is on the minus strand). VCF-style: chr1-11240441-T-C. GRCh37 (hg19) VCF-style: chr1-11300498-T-C.
Other names: c.1648A>G, p.Lys550Glu (NM_001386500.1); c.400A>G, p.Lys134Glu (NM_001386501.1); short protein forms K134E, K550E.
Identifiers: ClinVar variation 1953211 (VCV001953211.5), dbSNP rs2523332308, ClinGen allele CA338392742.

ClinVar aggregate classification (germline): Uncertain significance (1 of 4 stars; one submission).

Submission:

Labcorp Genetics (formerly Invitae), Labcorp
Classification: Uncertain significance. Last evaluated: 2022-10-10. Review status: criteria provided, single submitter. Criteria: Invitae Variant Classification Sherloc (09022015). Collection method: clinical testing. Allele origin: germline.
Comment: Advanced modeling of protein sequence and biophysical properties (such as structural, functional, and spatial information, amino acid conservation, physicochemical variation, residue mobility, and thermodynamic stability) performed at Invitae indicates that this missense variant is not expected to disrupt MTOR protein function. In summary, the available evidence is currently insufficient to determine the role of this variant in disease. Therefore, it has been classified as a Variant of Uncertain Significance. This variant has not been reported in the literature in individuals affected with MTOR-related conditions. This sequence change replaces lysine, which is basic and polar, with glutamic acid, which is acidic and polar, at codon 550 of the MTOR protein (p.Lys550Glu). This variant is not present in population databases (gnomAD no frequency).